The following is an entry in ClinVar:

NM_001105206.3(LAMA4):c.4934T>C (p.Met1645Thr)

Gene: LAMA4 (laminin subunit alpha 4; minus strand). Cytogenetic location: 6q21.
Variant type: single nucleotide variant.
Coding change: c.4934T>C on transcript NM_001105206.3 (MANE Select); coding-DNA position 4934, T replaced by C.
Protein change: p.Met1645Thr; replaces methionine 1645 with threonine.
Molecular consequence: missense variant.
Genome position (GRCh38, 1-based): chr6:112,117,786, A>G on the plus strand (T>C on the coding strand, the complement: LAMA4 is on the minus strand). VCF-style: chr6-112117786-A-G. GRCh37 (hg19) VCF-style: chr6-112438989-A-G.
Other names: c.4913T>C, p.Met1638Thr (NM_001105207.3, NM_002290.5); short protein forms M1638T, M1645T.
Identifiers: ClinVar variation 3670605 (VCV003670605.2).

ClinVar aggregate classification (germline): Uncertain significance (1 of 4 stars; one submission).

Conditions:
Dilated cardiomyopathy 1JJ (CMD1JJ). Identifiers: Orphanet 154, MedGen C3808935, MONDO:0014095, OMIM 615235.

Submission:

Labcorp Genetics (formerly Invitae), Labcorp
Classification: Uncertain significance for Dilated cardiomyopathy 1JJ. Last evaluated: 2024-08-20. Review status: criteria provided, single submitter. Criteria: Invitae Variant Classification Sherloc (09022015). Collection method: clinical testing. Allele origin: germline.
Comment: This sequence change replaces methionine, which is neutral and non-polar, with threonine, which is neutral and polar, at codon 1638 of the LAMA4 protein (p.Met1638Thr). This variant is not present in population databases (gnomAD no frequency). This variant has not been reported in the literature in individuals affected with LAMA4-related conditions. An algorithm developed to predict the effect of missense changes on protein structure and function (PolyPhen-2) suggests that this variant is likely to be disruptive. In summary, the available evidence is currently insufficient to determine the role of this variant in disease. Therefore, it has been classified as a Variant of Uncertain Significance.